The following is an entry in ClinVar:

NM_022124.6(CDH23):c.7741G>A (p.Val2581Met)

Gene: CDH23 (cadherin related 23; plus strand). Cytogenetic location: 10q22.1.
Variant type: single nucleotide variant.
Coding change: c.7741G>A on transcript NM_022124.6 (MANE Select); coding-DNA position 7741, G replaced by A.
Protein change: p.Val2581Met; replaces valine 2581 with methionine.
Molecular consequence: missense variant.
Genome position (GRCh38, 1-based): chr10:71,803,289, G>A. VCF-style: chr10-71803289-G-A. GRCh37 (hg19) VCF-style: chr10-73563046-G-A.
Other names: c.1021G>A, p.Val341Met (NM_001171933.1, NM_001171934.1); short protein forms V2581M, V341M.
Identifiers: ClinVar variation 1700864 (VCV001700864.4), dbSNP rs770807180, ClinGen allele CA5546430.

ClinVar aggregate classification (germline): Uncertain significance. Review status: criteria provided, multiple submitters, no conflicts (2 of 4 stars). 3 submissions from 3 submitters: Uncertain significance (3). Last evaluated 2025-01-16.

Conditions:
Inborn genetic diseases. Identifiers: MedGen C0950123, MeSH D030342.

Allele frequency attached by ClinVar (database versions not stated): TOPMed 0.00003; ExAC 0.00004; gnomAD exomes 0.00005; gnomAD 0.00006; 1000 Genomes Project 30x 0.00016.
gnomAD v4.1: 36 of 1,590,376 alleles (0.0023%); highest among the groups gnomAD compares: East Asian, 0.014%; 1 homozygote.

Submissions (3):

Ambry Genetics
Classification: Uncertain significance for Inborn genetic diseases. Last evaluated: 2025-01-16. Review status: criteria provided, single submitter. Criteria: Ambry Variant Classification Scheme 2023. Collection method: clinical testing. Allele origin: germline.

Blueprint Genetics
Classification: Uncertain significance. Last evaluated: 2024-09-03. Review status: criteria provided, single submitter. Criteria: ACMG Guidelines, 2015. Collection method: clinical testing. Allele origin: germline.

GeneDx
Classification: Uncertain significance. Last evaluated: 2022-02-10. Review status: criteria provided, single submitter. Criteria: GeneDx Variant Classification Process June 2021. Collection method: clinical testing. Allele origin: germline. Affected: yes.
Comment: In silico analysis supports that this missense variant does not alter protein structure/function; Has not been previously published as pathogenic or benign to our knowledge